The following is an entry in ClinVar:

NM_003737.4(DCHS1):c.8567C>G (p.Ser2856Cys)

Gene: DCHS1 (dachsous cadherin-related 1; minus strand). Cytogenetic location: 11p15.4.
Variant type: single nucleotide variant.
Coding change: c.8567C>G on transcript NM_003737.4 (MANE Select); coding-DNA position 8567, C replaced by G.
Protein change: p.Ser2856Cys; replaces serine 2856 with cysteine.
Molecular consequence: missense variant.
Genome position (GRCh38, 1-based): chr11:6,623,109, G>C on the plus strand (C>G on the coding strand, the complement: DCHS1 is on the minus strand). VCF-style: chr11-6623109-G-C. GRCh37 (hg19) VCF-style: chr11-6644340-G-C.
Other names: short protein forms S2856C.
Identifiers: ClinVar variation 3687860 (VCV003687860.2).
Genomic context (GRCh38, chr11:6,623,109, plus strand): 5'-GCCCGACTGTCCACCCGCAGGTACAGGGCTCCTGTAGTCTGGTTAATACCAAAATAGGGG[G>C]AAGAGGTGGCAAGGGAATACAGAACCAGGCCATCGGCACCCCCATCCTCATCTGTGGCCT-3'
Protein context (NP_003728.1, residues 2846-2866): GLVLYSLATS[Ser2856Cys]PYFGINQTTG

ClinVar aggregate classification (germline): Uncertain significance (1 of 4 stars; one submission).

Submission:

Labcorp Genetics (formerly Invitae), Labcorp
Classification: Uncertain significance. Last evaluated: 2024-11-03. Review status: criteria provided, single submitter. Criteria: Invitae Variant Classification Sherloc (09022015). Collection method: clinical testing. Allele origin: germline.
Comment: This sequence change replaces serine, which is neutral and polar, with cysteine, which is neutral and slightly polar, at codon 2856 of the DCHS1 protein (p.Ser2856Cys). This variant is not present in population databases (gnomAD no frequency). This variant has not been reported in the literature in individuals affected with DCHS1-related conditions. Invitae Evidence Modeling of protein sequence and biophysical properties (such as structural, functional, and spatial information, amino acid conservation, physicochemical variation, residue mobility, and thermodynamic stability) indicates that this missense variant is expected to disrupt DCHS1 protein function with a positive predictive value of 80%. In summary, the available evidence is currently insufficient to determine the role of this variant in disease. Therefore, it has been classified as a Variant of Uncertain Significance.